The following is an entry in ClinVar:

NM_017934.7(PHIP):c.2390G>C (p.Arg797Pro)

Gene: PHIP (PHIP subunit of CUL4-Ring ligase complex; minus strand). Cytogenetic location: 6q14.1.
Variant type: single nucleotide variant.
Coding change: c.2390G>C on transcript NM_017934.7 (MANE Select); coding-DNA position 2390, G replaced by C.
Protein change: p.Arg797Pro; replaces arginine 797 with proline.
Molecular consequence: missense variant.
Genome position (GRCh38, 1-based): chr6:78,988,279, C>G on the plus strand (G>C on the coding strand, the complement: PHIP is on the minus strand). VCF-style: chr6-78988279-C-G. GRCh37 (hg19) VCF-style: chr6-79697996-C-G.
Other names: short protein forms R797P.
Identifiers: ClinVar variation 4746745 (VCV004746745.1).

ClinVar aggregate classification (germline): Uncertain significance (1 of 4 stars; one submission).

Submission:

Labcorp Genetics (formerly Invitae), Labcorp
Classification: Uncertain significance. Last evaluated: 2025-06-22. Review status: criteria provided, single submitter. Criteria: Invitae Variant Classification Sherloc (09022015). Collection method: clinical testing. Allele origin: germline.
Comment: This sequence change replaces arginine, which is basic and polar, with proline, which is neutral and non-polar, at codon 797 of the PHIP protein (p.Arg797Pro). This variant is not present in population databases (gnomAD no frequency). This variant has not been reported in the literature in individuals affected with PHIP-related conditions. Invitae Evidence Modeling of protein sequence and biophysical properties (such as structural, functional, and spatial information, amino acid conservation, physicochemical variation, residue mobility, and thermodynamic stability) indicates that this missense variant is not expected to disrupt PHIP protein function with a negative predictive value of 95%. In summary, the available evidence is currently insufficient to determine the role of this variant in disease. Therefore, it has been classified as a Variant of Uncertain Significance.